The following is an entry in ClinVar:

ClinVar aggregate classification (germline): Pathogenic (1 of 4 stars; one submission).

Conditions:
Metachromatic leukodystrophy (MLD). Also called: ARSA DEFICIENCY; CEREBROSIDE SULFATASE DEFICIENCY; METACHROMATIC LEUKOENCEPHALOPATHY; SULFATIDE LIPIDOSIS; Cerebral sclerosis diffuse metachromatic form; Arylsulfatase A Deficiency. Identifiers: Orphanet 512, MedGen C0023522, MONDO:0018868, OMIM 250100.

gnomAD v4.1: 1 of 1,611,904 alleles (0.000062%); highest among the groups gnomAD compares: Non-Finnish European, 0.000085%; no homozygotes.

Submissions (2):

Labcorp Genetics (formerly Invitae), Labcorp
Classification: Pathogenic for Metachromatic leukodystrophy. Last evaluated: 2022-01-28. Review status: criteria provided, single submitter. Criteria: Invitae Variant Classification Sherloc (09022015). Collection method: clinical testing. Allele origin: germline.
Comment: This sequence change replaces proline, which is neutral and non-polar, with threonine, which is neutral and polar, at codon 138 of the ARSA protein (p.Pro138Thr). This variant is present in population databases (rs60504011, gnomAD 0.001%). This missense change has been observed in individual(s) with metachromatic leukodystrophy (PMID: 22854541). Advanced modeling of protein sequence and biophysical properties (such as structural, functional, and spatial information, amino acid conservation, physicochemical variation, residue mobility, and thermodynamic stability) performed at Invitae indicates that this missense variant is expected to disrupt ARSA protein function. This variant disrupts the p.Pro138 amino acid residue in ARSA. Other variant(s) that disrupt this residue have been determined to be pathogenic (PMID: 7860068). This suggests that this residue is clinically significant, and that variants that disrupt this residue are likely to be disease-causing. For these reasons, this variant has been classified as Pathogenic.

Gelb Laboratory, University of Washington
No classification provided (evidence only). Condition: Metachromatic leukodystrophy. Review status: no classification provided. Collection method: in vitro. Allele origin: not applicable. Functional consequence: loss of function. Not counted in ClinVar's aggregate classification.

Literature cited by the submitters: PubMed 22854541 (cited by Labcorp Genetics (formerly Invitae), Labcorp); PubMed 7860068 (cited by Labcorp Genetics (formerly Invitae), Labcorp).

NM_000487.6(ARSA):c.412C>A (p.Pro138Thr)

Gene: ARSA (arylsulfatase A; minus strand). Cytogenetic location: 22q13.33.
Variant type: single nucleotide variant.
Coding change: c.412C>A on transcript NM_000487.6 (MANE Select); coding-DNA position 412, C replaced by A.
Protein change: p.Pro138Thr; replaces proline 138 with threonine.
Molecular consequence: missense variant.
Genome position (GRCh38, 1-based): chr22:50,627,219, G>T on the plus strand (C>A on the coding strand, the complement: ARSA is on the minus strand). VCF-style: chr22-50627219-G-T. GRCh37 (hg19) VCF-style: chr22-51065647-G-T.
Other names: c.412C>A, p.Pro138Thr (NM_001085425.3, NM_001085426.3, NM_001085427.3); c.154C>A, p.Pro52Thr (NM_001085428.3, NM_001362782.2); short protein forms P52T, P138T.
Identifiers: ClinVar variation 2138466 (VCV002138466.7), dbSNP rs60504011, ClinGen allele CA10325040.